The following is an entry in ClinVar:

NM_005733.3(KIF20A):c.1389G>T (p.Lys463Asn)

Gene: KIF20A (kinesin family member 20A; plus strand). Cytogenetic location: 5q31.2.
Variant type: single nucleotide variant.
Coding change: c.1389G>T on transcript NM_005733.3 (MANE Select); coding-DNA position 1389, G replaced by T.
Protein change: p.Lys463Asn; replaces lysine 463 with asparagine.
Molecular consequence: missense variant.
Genome position (GRCh38, 1-based): chr5:138,184,275, G>T. VCF-style: chr5-138184275-G-T. GRCh37 (hg19) VCF-style: chr5-137519964-G-T.
Other names: short protein forms K463N.
Identifiers: ClinVar variation 4803862 (VCV004803862.1).

ClinVar aggregate classification (germline): Uncertain significance (1 of 4 stars; one submission).

gnomAD v4.1: 1 of 1,614,158 alleles (0.000062%); highest among the groups gnomAD compares: Non-Finnish European, 0.000085%; no homozygotes.

Submission:

Labcorp Genetics (formerly Invitae), Labcorp
Classification: Uncertain significance. Last evaluated: 2025-11-01. Review status: criteria provided, single submitter. Criteria: Invitae Variant Classification Sherloc (09022015). Collection method: clinical testing. Allele origin: germline.
Comment: This sequence change replaces lysine, which is basic and polar, with asparagine, which is neutral and polar, at codon 463 of the KIF20A protein (p.Lys463Asn). This variant is not present in population databases (gnomAD no frequency). This variant has not been reported in the literature in individuals affected with KIF20A-related conditions. An algorithm developed to predict the effect of missense changes on protein structure and function (PolyPhen-2) suggests that this variant is likely to be disruptive. In summary, the available evidence is currently insufficient to determine the role of this variant in disease. Therefore, it has been classified as a Variant of Uncertain Significance.